The following is an entry in ClinVar:

NM_005530.3(IDH3A):c.142G>C (p.Ala48Pro)

Gene: IDH3A (isocitrate dehydrogenase (NAD(+)) 3 catalytic subunit alpha; plus strand). Cytogenetic location: 15q25.1.
Variant type: single nucleotide variant.
Coding change: c.142G>C on transcript NM_005530.3 (MANE Select); coding-DNA position 142, G replaced by C.
Protein change: p.Ala48Pro; replaces alanine 48 with proline.
Molecular consequence: missense variant.
Genome position (GRCh38, 1-based): chr15:78,157,599, G>C. VCF-style: chr15-78157599-G-C. GRCh37 (hg19) VCF-style: chr15-78449941-G-C.
Other names: short protein forms A48P.
Identifiers: ClinVar variation 1383384 (VCV001383384.5), dbSNP rs978774255, ClinGen allele CA273845904.

ClinVar aggregate classification (germline): Uncertain significance (1 of 4 stars; one submission).

Allele frequency attached by ClinVar (database versions not stated): gnomAD exomes below 0.00001.
gnomAD v4.1: 2 of 1,612,946 alleles (0.00012%); highest among the groups gnomAD compares: South Asian, 0.0011%; no homozygotes.

Submission:

Labcorp Genetics (formerly Invitae), Labcorp
Classification: Uncertain significance. Last evaluated: 2021-09-01. Review status: criteria provided, single submitter. Criteria: Invitae Variant Classification Sherloc (09022015). Collection method: clinical testing. Allele origin: germline.
Comment: This sequence change replaces alanine with proline at codon 48 of the IDH3A protein (p.Ala48Pro). The alanine residue is moderately conserved and there is a small physicochemical difference between alanine and proline. This variant is not present in population databases (ExAC no frequency). This variant has not been reported in the literature in individuals affected with IDH3A-related conditions. Algorithms developed to predict the effect of missense changes on protein structure and function are either unavailable or do not agree on the potential impact of this missense change (SIFT: "Tolerated"; PolyPhen-2: "Possibly Damaging"; Align-GVGD: "Class C0"). In summary, the available evidence is currently insufficient to determine the role of this variant in disease. Therefore, it has been classified as a Variant of Uncertain Significance.